The following is an entry in ClinVar:

ClinVar aggregate classification (germline): Uncertain significance (1 of 4 stars; one submission).

Conditions:
Inborn genetic diseases. Identifiers: MedGen C0950123, MeSH D030342.

Submission:

Ambry Genetics
Classification: Uncertain significance for Inborn genetic diseases. Last evaluated: 2025-03-29. Review status: criteria provided, single submitter. Criteria: Ambry Variant Classification Scheme 2023. Collection method: clinical testing. Allele origin: germline.
Comment: The p.A1275P variant (also known as c.3823G>C) is located in coding exon 34 of the RTEL1 gene. The alanine at codon 1275 is replaced by proline, an amino acid with highly similar properties. This change occurs in the first base pair of coding exon 34. This amino acid position is conserved. In addition, the in silico prediction for this alteration is inconclusive. Based on the available evidence, the clinical significance of this variant remains unclear.

NM_001283009.2(RTEL1):c.3823G>C (p.Ala1275Pro)

Genes: RTEL1 (regulator of telomere elongation helicase 1; plus strand), RTEL1-TNFRSF6B (RTEL1-TNFRSF6B readthrough (NMD candidate); plus strand). Cytogenetic location: 20q13.33.
Variant type: single nucleotide variant.
Coding change: c.3823G>C on transcript NM_001283009.2 (MANE Select); coding-DNA position 3823, G replaced by C.
Protein change: p.Ala1275Pro; replaces alanine 1275 with proline.
Molecular consequence: missense variant. On other transcripts: non-coding transcript variant (1).
Genome position (GRCh38, 1-based): chr20:63,695,778, G>C. VCF-style: chr20-63695778-G-C. GRCh37 (hg19) VCF-style: chr20-62327131-G-C.
Other names: c.2984G>C, p.Gly995Ala (NM_001283010.1); c.3653G>C, p.Gly1218Ala (NM_016434.4); c.3725G>C, p.Gly1242Ala (NM_032957.5); short protein forms G1218A, G1242A, A1275P, G995A.
Identifiers: ClinVar variation 3948269 (VCV003948269.1).
Genomic context (GRCh38, chr20:63,695,778, plus strand): 5'-AGGCCCTTGTCCTGGTGGCAACGCCTGGCAGACGTGTGCAGTGGGCCGGTTGTCTCACAG[G>C]CCTCTAGGATGTGCCCAGCCTGCCACACCGCCTCCAGGAAGCAGAGCGTCATGCAGGTCT-3'
Protein context (NP_001269938.1, residues 1265-1285): CQACWQRHLQ[Ala1275Pro]SRMCPACHTA